The following is an entry in ClinVar:

ClinVar aggregate classification (germline): Pathogenic. Review status: criteria provided, multiple submitters, no conflicts (2 of 4 stars). 5 submissions from 5 submitters: Pathogenic (3). 2 of the submissions do not count toward it. Last evaluated 2025-10-08.

Conditions:
Jeune thoracic dystrophy. Also called: Jeune syndrome; Short-rib thoracic dysplasia; Infantile thoracic dystrophy; Thoracic pelvic phalangeal dystrophy; Jeune's syndrome; Chondroectodermal dysplasia-like syndrome. Identifiers: Orphanet 474, MedGen C0265275, MONDO:0018770.
Asphyxiating thoracic dystrophy 3. Also called: POLYDACTYLY WITH NEONATAL CHONDRODYSTROPHY, TYPE I; SHORT-RIB THORACIC DYSPLASIA 3/6 WITH POLYDACTYLY, DIGENIC; Saldino-Noonan Syndrome; SHORT-RIB THORACIC DYSPLASIA 3 WITH OR WITHOUT POLYDACTYLY; Short rib polydactyly syndrome 2B. Identifiers: Orphanet 474, Orphanet 93269, Orphanet 93270, Orphanet 93271, MedGen C0036069, MONDO:0013127, OMIM 613091.

Allele frequency attached by ClinVar (database versions not stated): gnomAD 0.00001; TOPMed 0.00001; gnomAD exomes 0.00002 and 0.00005.

Submissions (5):

Myriad Genetics, Inc.
Classification: Pathogenic for Asphyxiating thoracic dystrophy 3. Last evaluated: 2025-10-08. Review status: criteria provided, single submitter. Criteria: Myriad Autosomal Dominant, Autosomal Recessive and X-Linked Classification Criteria (2023). Collection method: clinical testing. Allele origin: unknown.
Comment: NM_001377.2(DYNC2H1):c.3353delG(S1118Ifs*46) is a frameshift variant classified as pathogenic in the context of DYNC2H1-related disorders. S1118Ifs*46 has been observed in a case with relevant disease (PMID: 29068549). Relevant functional assessments of this variant are not available in the literature. S1118Ifs*46 has been observed in referenced population frequency databases. In summary, NM_001377.2(DYNC2H1):c.3353delG(S1118Ifs*46) is a frameshift variant in a gene where loss of function is a known mechanism of disease, is predicted to disrupt protein function, and has been observed more frequently in cases with the relevant disease than in healthy populations. Please note: this variant was assessed in the context of healthy population screening.

Labcorp Genetics (formerly Invitae), Labcorp
Classification: Pathogenic for Jeune thoracic dystrophy. Last evaluated: 2024-01-17. Review status: criteria provided, single submitter. Criteria: Invitae Variant Classification Sherloc (09022015). Collection method: clinical testing. Allele origin: germline.
Comment: This sequence change creates a premature translational stop signal (p.Ser1118Ilefs*46) in the DYNC2H1 gene. It is expected to result in an absent or disrupted protein product. Loss-of-function variants in DYNC2H1 are known to be pathogenic (PMID: 23339108, 32753734, 33755199). This variant is present in population databases (rs755338872, gnomAD 0.005%). This premature translational stop signal has been observed in individual(s) with DYNC2H1-related conditions (PMID: 29068549). ClinVar contains an entry for this variant (Variation ID: 195733). For these reasons, this variant has been classified as Pathogenic.

Eurofins Ntd Llc (ga)
Classification: Pathogenic. Last evaluated: 2015-05-04. Review status: criteria provided, single submitter. Criteria: EGL Classification Definitions 2015. Collection method: clinical testing. Allele origin: germline.

Dan Cohn Lab, University Of California Los Angeles
Classification: Pathogenic for Asphyxiating thoracic dystrophy. Last evaluated: 2017-06-01. Review status: no assertion criteria provided. Collection method: research. Allele origin: paternal. Affected: yes. Not counted in ClinVar's aggregate classification.

University of Washington Center for Mendelian Genomics, University of Washington
Classification: Likely pathogenic for asphyxiating thoracic dystrophy. Review status: no assertion criteria provided. Collection method: research. Allele origin: inherited. Affected: yes. Not counted in ClinVar's aggregate classification.

Literature cited by the submitters: PubMed 29068549 (cited by 4 submitters); PubMed 23339108 (cited by Labcorp Genetics (formerly Invitae), Labcorp); PubMed 32753734 (cited by Labcorp Genetics (formerly Invitae), Labcorp); PubMed 33755199 (cited by Labcorp Genetics (formerly Invitae), Labcorp).

NM_001377.3(DYNC2H1):c.3353del (p.Ser1118fs)

Gene: DYNC2H1 (dynein cytoplasmic 2 heavy chain 1; plus strand). Cytogenetic location: 11q22.3.
Variant type: Deletion.
Coding change: c.3353del on transcript NM_001377.3 (MANE Select); coding-DNA position 3353, one base deleted (G; older notation c.3353delG).
Protein change: p.Ser1118fs; shifts the reading frame from serine 1118.
Molecular consequence: frameshift variant.
Genome position (GRCh38, 1-based): chr11:103,154,501, G deleted. VCF-style (leftmost placement, unchanged base first): chr11-103154500-AG-A. GRCh37 (hg19) VCF-style: chr11-103025229-AG-A.
Other names: c.3353del, p.Ser1118fs (NM_001080463.2); short protein forms S1118fs.
Identifiers: ClinVar variation 195733 (VCV000195733.11), dbSNP rs755338872, ClinGen allele CA210630.
Genomic context (GRCh38, chr11:103,154,500, plus strand): 5'-TGTTTCTATAGTGATGATTGCCATCATTTTAGACTGGAAGAGCCTAATTTCTCCCTGGCA[AG>A]TAGTATCTCTAAAGATATCGAGAGCTGTGCCCAAATTTGGGCCTTTTATGAAGAGTTTCA-3'